The following is an entry in ClinVar:

NM_024675.4(PALB2):c.166G>T (p.Asp56Tyr)

Gene: PALB2 (partner and localizer of BRCA2; minus strand). Cytogenetic location: 16p12.2.
Variant type: single nucleotide variant.
Coding change: c.166G>T on transcript NM_024675.4 (MANE Select); coding-DNA position 166, G replaced by T.
Protein change: p.Asp56Tyr; replaces aspartic acid 56 with tyrosine.
Molecular consequence: missense variant.
Genome position (GRCh38, 1-based): chr16:23,637,895, C>A on the plus strand (G>T on the coding strand, the complement: PALB2 is on the minus strand). VCF-style: chr16-23637895-C-A. GRCh37 (hg19) VCF-style: chr16-23649216-C-A.
Other names: c.106G>T, p.Asp36Tyr (NM_001407296.1); c.166G>T, p.Asp56Tyr (NM_001407297.1, NM_001407298.1, NM_001407299.1 and 3 more transcripts); c.-720G>T (NM_001407304.1, NM_001407305.1, NM_001407306.1 and 5 more transcripts); short protein forms D36Y, D56Y.
Identifiers: ClinVar variation 1718525 (VCV001718525.5), dbSNP rs2142456520, ClinGen allele CA395139163.

ClinVar aggregate classification (germline): Uncertain significance (1 of 4 stars; one submission).

Conditions:
Familial cancer of breast. Also called: BREAST CANCER, FAMILIAL; hereditary breast carcinoma; Hereditary breast cancer. Identifiers: Orphanet 227535, MedGen C0346153, MONDO:0016419, OMIM 114480. Disease mechanism: loss of function.

Submission:

Labcorp Genetics (formerly Invitae), Labcorp
Classification: Uncertain significance for Familial cancer of breast. Last evaluated: 2025-07-07. Review status: criteria provided, single submitter. Criteria: Invitae Variant Classification Sherloc (09022015). Collection method: clinical testing. Allele origin: germline.
Comment: This sequence change replaces aspartic acid, which is acidic and polar, with tyrosine, which is neutral and polar, at codon 56 of the PALB2 protein (p.Asp56Tyr). This variant is not present in population databases (gnomAD no frequency). This variant has not been reported in the literature in individuals affected with PALB2-related conditions. ClinVar contains an entry for this variant (Variation ID: 1718525). An algorithm developed to predict the effect of missense changes on protein structure and function (PolyPhen-2) suggests that this variant is likely to be disruptive. In summary, the available evidence is currently insufficient to determine the role of this variant in disease. Therefore, it has been classified as a Variant of Uncertain Significance.